The following is an entry in ClinVar:

ClinVar aggregate classification (germline): Likely pathogenic. Review status: criteria provided, multiple submitters, no conflicts (2 of 4 stars). 2 submissions from 2 submitters: Likely pathogenic (2). Last evaluated 2024-04-24.

Conditions:
Ehlers-Danlos syndrome, dermatosparaxis type. Also called: EDS VIIC; Ehlers-Danlos syndrome, type VII, autosomal recessive; Dermatosparaxis. Identifiers: Orphanet 1901, MedGen C2700425, MONDO:0009161, OMIM 225410.

Submissions (2):

Natera, Inc.
Classification: Likely pathogenic for Ehlers-Danlos syndrome type VIIC. Last evaluated: 2024-04-24. Review status: criteria provided, single submitter. Criteria: Natera Variant Classification Schema (03/2026). Collection method: clinical testing. Allele origin: germline.
Comment: The c.689-9_695delTCCTTGCAGGGGCCTC variant in ADAMTS2 is a frameshift variant predicted to shift the reading frame and introduce a stop codon. This variant is expected to result in nonsense mediated decay, truncation, or a dysfunctional protein product. This variant is rare in the general population with a frequency below the threshold expected for the associated phenotype(s). Given the available evidence, this variant is classified as Likely Pathogenic.

Labcorp Genetics (formerly Invitae), Labcorp
Classification: Likely pathogenic for Ehlers-Danlos syndrome, dermatosparaxis type. Last evaluated: 2020-09-24. Review status: criteria provided, single submitter. Criteria: Invitae Variant Classification Sherloc (09022015). Collection method: clinical testing. Allele origin: germline.
Comment: In summary, the currently available evidence indicates that the variant is pathogenic, but additional data are needed to prove that conclusively. Therefore, this variant has been classified as Likely Pathogenic. Loss-of-function variants in ADAMTS2 are known to be pathogenic (PMID: 10417273). Algorithms developed to predict the effect of sequence changes on RNA splicing suggest that this variant may disrupt the consensus splice site, but this prediction has not been confirmed by published transcriptional studies. This variant has not been reported in the literature in individuals with ADAMTS2-related conditions. This variant is not present in population databases (ExAC no frequency). This variant results in the deletion of part of exon 4 (c.689-9_695del) of the ADAMTS2 gene. It is expected to disrupt RNA splicing and likely results in an absent or disrupted protein product.

Literature cited by the submitters: PubMed 10417273 (cited by Labcorp Genetics (formerly Invitae), Labcorp).

NM_014244.5(ADAMTS2):c.689-9_695del

Gene: ADAMTS2 (ADAM metallopeptidase with thrombospondin type 1 motif 2; minus strand). Cytogenetic location: 5q35.3.
Variant type: Deletion.
Coding change: c.689-9_695del on transcript NM_014244.5 (MANE Select); 9 bases into the intron before coding-DNA position 689 through coding-DNA position 695, 16 bases deleted (TCCTTGCAGGGGCCTC).
Molecular consequence: splice acceptor variant.
Genome position (GRCh38, 1-based): chr5:179,207,709-179,207,724, GAGGCCCCTGCAAGGA deleted on the plus strand (TCCTTGCAGGGGCCTC on the coding strand, the reverse complement: ADAMTS2 is on the minus strand); deleting any 16 consecutive bases within chr5:179,207,709-179,207,728 gives the same sequence; the c. name uses the placement nearest the transcript's 3' end. VCF-style (leftmost placement, unchanged base first): chr5-179207708-GGAGGCCCCTGCAAGGA-G. GRCh37 (hg19) VCF-style: chr5-178634709-GGAGGCCCCTGCAAGGA-G.
Other names: c.689-9_695del (NM_021599.4); c.689-9_695delTCCTTGCAGGGGCCTC (NM_014244.4).
Identifiers: ClinVar variation 1068382 (VCV001068382.11), dbSNP rs2113374735, ClinGen allele CA2499217808.